The following is an entry in ClinVar:

ClinVar aggregate classification (germline): Uncertain significance. Review status: criteria provided, single submitter (1 of 4 stars). 2 submissions from 2 submitters: Uncertain significance (1). 1 of the submissions does not count toward it. Last evaluated 2022-07-19.

Conditions:
Schimke immuno-osseous dysplasia (SIOD). Also called: Schimke Immunoosseous Dysplasia. Identifiers: Orphanet 1830, MedGen C0877024, MONDO:0009458, OMIM 242900.

Allele frequency attached by ClinVar (database versions not stated): gnomAD exomes 0.00001.
gnomAD v4.1: 10 of 1,614,256 alleles (0.00062%); highest among the groups gnomAD compares: Non-Finnish European, 0.00085%; no homozygotes.

Submissions (2):

Labcorp Genetics (formerly Invitae), Labcorp
Classification: Uncertain significance for Schimke immuno-osseous dysplasia. Last evaluated: 2022-07-19. Review status: criteria provided, single submitter. Criteria: Invitae Variant Classification Sherloc (09022015). Collection method: clinical testing. Allele origin: germline.
Comment: In summary, the available evidence is currently insufficient to determine the role of this variant in disease. Therefore, it has been classified as a Variant of Uncertain Significance. Algorithms developed to predict the effect of missense changes on protein structure and function output the following: SIFT: "Tolerated"; PolyPhen-2: "Benign"; Align-GVGD: "Class C0". The glycine amino acid residue is found in multiple mammalian species, which suggests that this missense change does not adversely affect protein function. ClinVar contains an entry for this variant (Variation ID: 1058549). This variant has not been reported in the literature in individuals affected with SMARCAL1-related conditions. This variant is not present in population databases (gnomAD no frequency). This sequence change replaces serine, which is neutral and polar, with glycine, which is neutral and non-polar, at codon 37 of the SMARCAL1 protein (p.Ser37Gly).

Natera, Inc.
Classification: Uncertain significance for Schimke immuno-osseous dysplasia. Last evaluated: 2021-06-30. Review status: no assertion criteria provided. Collection method: clinical testing. Allele origin: germline. Not counted in ClinVar's aggregate classification.

NM_014140.4(SMARCAL1):c.109A>G (p.Ser37Gly)

Gene: SMARCAL1 (SNF2 related chromatin remodeling annealing helicase 1; plus strand). Cytogenetic location: 2q35.
Variant type: single nucleotide variant.
Coding change: c.109A>G on transcript NM_014140.4 (MANE Select); coding-DNA position 109, A replaced by G.
Protein change: p.Ser37Gly; replaces serine 37 with glycine.
Molecular consequence: missense variant.
Genome position (GRCh38, 1-based): chr2:216,414,813, A>G. VCF-style: chr2-216414813-A-G. GRCh37 (hg19) VCF-style: chr2-217279536-A-G.
Other names: c.109A>G, p.Ser37Gly (NM_001127207.2); short protein forms S37G.
Identifiers: ClinVar variation 1058549 (VCV001058549.12), dbSNP rs2106014375, ClinGen allele CA350496511.